The following is an entry in ClinVar:

NM_014633.5(CTR9):c.470A>G (p.Asn157Ser)

Gene: CTR9 (CTR9 component of Paf1/RNA polymerase II complex; plus strand). Cytogenetic location: 11p15.4.
Variant type: single nucleotide variant.
Coding change: c.470A>G on transcript NM_014633.5 (MANE Select); coding-DNA position 470, A replaced by G.
Protein change: p.Asn157Ser; replaces asparagine 157 with serine.
Molecular consequence: missense variant.
Genome position (GRCh38, 1-based): chr11:10,755,763, A>G. VCF-style: chr11-10755763-A-G. GRCh37 (hg19) VCF-style: chr11-10777310-A-G.
Other names: c.470A>G, p.Asn157Ser (NM_001346279.2); short protein forms N157S.
Identifiers: ClinVar variation 972347 (VCV000972347.9), dbSNP rs1862874855, ClinGen allele CA379660945.

ClinVar aggregate classification (germline): Uncertain significance (1 of 4 stars; one submission).

Allele frequency attached by ClinVar (database versions not stated): gnomAD exomes below 0.00001.
gnomAD v4.1: 3 of 1,612,920 alleles (0.00019%); highest among the groups gnomAD compares: Non-Finnish European, 0.00025%; no homozygotes.

Submission:

Labcorp Genetics (formerly Invitae), Labcorp
Classification: Uncertain significance. Last evaluated: 2019-10-02. Review status: criteria provided, single submitter. Criteria: Invitae Variant Classification Sherloc (09022015). Collection method: clinical testing. Allele origin: germline.
Comment: In summary, the available evidence is currently insufficient to determine the role of this variant in disease. Therefore, it has been classified as a Variant of Uncertain Significance. Algorithms developed to predict the effect of sequence changes on RNA splicing suggest that this variant may create or strengthen a splice site, but this prediction has not been confirmed by published transcriptional studies. Algorithms developed to predict the effect of missense changes on protein structure and function (SIFT, PolyPhen-2, Align-GVGD) all suggest that this variant is likely to be tolerated, but these predictions have not been confirmed by published functional studies and their clinical significance is uncertain. This variant has not been reported in the literature in individuals with CTR9-related conditions. This variant is not present in population databases (ExAC no frequency). This sequence change replaces asparagine with serine at codon 157 of the CTR9 protein (p.Asn157Ser). The asparagine residue is highly conserved and there is a small physicochemical difference between asparagine and serine.